The following is an entry in ClinVar:

ClinVar aggregate classification (germline): Uncertain significance (1 of 4 stars; one submission).

Submission:

Ambry Genetics
Classification: Uncertain significance. Last evaluated: 2023-10-22. Review status: criteria provided, single submitter. Criteria: Ambry Variant Classification Scheme 2023. Collection method: clinical testing. Allele origin: germline.
Comment: The p.A430D variant (also known as c.1289C>A), located in coding exon 1 of the MLH3 gene, results from a C to A substitution at nucleotide position 1289. The alanine at codon 430 is replaced by aspartic acid, an amino acid with dissimilar properties. This amino acid position is conserved. In addition, this alteration is predicted to be tolerated by in silico analysis. Since supporting evidence is limited at this time, the clinical significance of this alteration remains unclear.

NM_001040108.2(MLH3):c.1289C>A (p.Ala430Asp)

Gene: MLH3 (mutL homolog 3; minus strand). Cytogenetic location: 14q24.3.
Variant type: single nucleotide variant.
Coding change: c.1289C>A on transcript NM_001040108.2 (MANE Select); coding-DNA position 1289, C replaced by A.
Protein change: p.Ala430Asp; replaces alanine 430 with aspartic acid.
Molecular consequence: missense variant.
Genome position (GRCh38, 1-based): chr14:75,048,367, G>T on the plus strand (C>A on the coding strand, the complement: MLH3 is on the minus strand). VCF-style: chr14-75048367-G-T. GRCh37 (hg19) VCF-style: chr14-75515070-G-T.
Other names: c.1289C>A, p.Ala430Asp (NM_014381.3); short protein forms A430D.
Identifiers: ClinVar variation 3232433 (VCV003232433.1), dbSNP rs1892415606, ClinGen allele CA390446621.